The following is an entry in ClinVar:

ClinVar aggregate classification (germline): Conflicting classifications of pathogenicity. Review status: criteria provided, conflicting classifications (1 of 4 stars). 17 submissions from 14 submitters: Uncertain significance (3); Benign (4); Likely benign (7). 3 of the submissions do not count toward it. Last evaluated 2026-01-12.

Conditions:
Cardiac arrhythmia. Also called: Arrhythmia; Cardiac rhythm disease. Identifiers: MedGen C0003811, MONDO:0007263, HP:0011675.
Cardiovascular phenotype. Identifiers: MedGen CN230736.
Long QT syndrome (LQTS). Identifiers: MedGen C0023976, MeSH D008133, MONDO:0002442. Disease mechanism: loss of function. Inheritance: Various modes of inheritance.
Jervell and Lange-Nielsen syndrome 1 (JLNS1). Also called: PROLONGED QT INTERVAL IN EKG AND SUDDEN DEATH; SURDO-CARDIAC SYNDROME; CARDIOAUDITORY SYNDROME OF JERVELL AND LANGE-NIELSEN; DEAFNESS, CONGENITAL, AND FUNCTIONAL HEART DISEASE. Identifiers: Orphanet 768, Orphanet 90647, MedGen C4551509, MONDO:0024540, OMIM 220400.
Atrial fibrillation, familial, 3 (ATFB3). Identifiers: MedGen C1837014, MONDO:0011857, OMIM 607554.
Long QT syndrome 1 (LQT1). Identifiers: Orphanet 101016, Orphanet 768, MedGen C4551647, MONDO:0100316, OMIM 192500, MONDO:0008646.
Short QT syndrome type 2. Identifiers: Orphanet 51083, MedGen C1865019, MONDO:0012313, OMIM 609621.

Allele frequency attached by ClinVar (database versions not stated): gnomAD exomes 0.00028; gnomAD 0.00037 and 0.00038; TOPMed 0.00041; ExAC 0.00056; 1000 Genomes Project 0.00060; 1000 Genomes Project 30x 0.00062; ESP Exome Variant Server 0.00062.
gnomAD v4.1: 1,054 of 1,573,608 alleles (0.067%); highest among the groups gnomAD compares: Non-Finnish European, 0.082%; 1 homozygote.

Submissions (17):

Labcorp Genetics (formerly Invitae), Labcorp
Classification: Benign for Long QT syndrome. Last evaluated: 2026-01-12. Review status: criteria provided, single submitter. Criteria: Invitae Variant Classification Sherloc (09022015). Collection method: clinical testing. Allele origin: germline.

Blueprint Genetics
Classification: Likely benign. Last evaluated: 2024-10-14. Review status: criteria provided, single submitter. Criteria: ACMG Guidelines, 2015. Collection method: clinical testing. Allele origin: germline.

CeGaT Center for Human Genetics Tuebingen
Classification: Likely benign. Last evaluated: 2024-07-01. Review status: criteria provided, single submitter. Criteria: CeGaT Center For Human Genetics Tuebingen Variant Classification Criteria Version 2. Collection method: clinical testing. Allele origin: germline. Affected: yes. Observed: 1 variant allele.
Comment: KCNQ1: BP4, BP7

All of Us Research Program, National Institutes of Health
Classification: Likely benign for Long QT syndrome. Last evaluated: 2024-02-05. Review status: criteria provided, single submitter. Criteria: ACMG Guidelines, 2015. Collection method: clinical testing. Allele origin: germline. Inheritance: Autosomal dominant inheritance. Observed: 136 variant alleles, 136 heterozygotes.
Comment: This study involves interpretation of variants in research participants for the purpose of population health screening. Participant phenotype was not available at the time of variant classification. Additional details can be found in publication PMID: 35346344, PMCID: PMC8962531

Women's Health and Genetics/Laboratory Corporation of America, LabCorp
Classification: Benign. Last evaluated: 2021-02-28. Review status: criteria provided, single submitter. Criteria: LabCorp Variant Classification Summary - May 2015. Collection method: clinical testing. Allele origin: germline.

ARUP Laboratories, Molecular Genetics and Genomics, ARUP Laboratories
Classification: Likely benign. Last evaluated: 2020-11-18. Review status: criteria provided, single submitter. Criteria: ARUP Molecular Germline Variant Investigation Process 2021. Collection method: clinical testing. Allele origin: germline.

Color Diagnostics, LLC DBA Color Health
Classification: Likely benign for Arrhythmia. Last evaluated: 2018-04-28. Review status: criteria provided, single submitter. Criteria: ACMG Guidelines, 2015. Collection method: clinical testing. Allele origin: germline.

Illumina Laboratory Services, Illumina
Classification: Uncertain significance for Long QT syndrome 1. Last evaluated: 2018-01-13. Review status: criteria provided, single submitter. Criteria: ICSL Variant Classification Criteria 13 December 2019. Collection method: clinical testing. Allele origin: germline.

Illumina Laboratory Services, Illumina
Classification: Uncertain significance for Atrial fibrillation, familial, 3. Last evaluated: 2018-01-13. Review status: criteria provided, single submitter. Criteria: ICSL Variant Classification Criteria 13 December 2019. Collection method: clinical testing. Allele origin: germline.

Illumina Laboratory Services, Illumina
Classification: Uncertain significance for Jervell and Lange-Nielsen syndrome 1. Last evaluated: 2018-01-13. Review status: criteria provided, single submitter. Criteria: ICSL Variant Classification Criteria 13 December 2019. Collection method: clinical testing. Allele origin: germline.

Illumina Laboratory Services, Illumina
Classification: Benign for Short QT syndrome type 2. Last evaluated: 2018-01-13. Review status: criteria provided, single submitter. Criteria: ICSL Variant Classification Criteria 13 December 2019. Collection method: clinical testing. Allele origin: germline.
Comment: This variant was observed in the ICSL laboratory as part of a predisposition screen in an ostensibly healthy population. It had not been previously curated by ICSL or reported in the Human Gene Mutation Database (HGMD: prior to June 1st, 2018), and was therefore a candidate for classification through an automated scoring system. Utilizing variant allele frequency, disease prevalence and penetrance estimates, and inheritance mode, an automated score was calculated to assess if this variant is too frequent to cause the disease. Based on the score and internal cut-off values, a variant classified as benign is not then subjected to further curation. The score for this variant resulted in a classification of benign for this disease.

Ambry Genetics
Classification: Likely benign for Cardiovascular phenotype. Last evaluated: 2016-12-15. Review status: criteria provided, single submitter. Criteria: Ambry Variant Classification Scheme 2023. Collection method: clinical testing. Allele origin: germline.

GeneDx
Classification: Benign. Last evaluated: 2015-03-03. Review status: criteria provided, single submitter. Criteria: GeneDx Variant Classification Process June 2021. Collection method: clinical testing. Allele origin: germline. Affected: yes.

Laboratory for Molecular Medicine, Mass General Brigham Personalized Medicine
Classification: Likely benign. Last evaluated: 2012-04-30. Review status: criteria provided, single submitter. Criteria: LMM Criteria. Collection method: clinical testing. Allele origin: germline. Observed: 1 variant allele.
Comment: Thr600Thr in Exon 16 of KCNQ1: This variant is not expected to have clinical sig nificance because it does not alter an amino acid residue, is not located within the splice consensus sequence, and has been identified in 0.1% (6/6988) of Euro pean American chromosomes from a broad population by the NHLBI Exome Sequencing Project (dbSNP rs147091980).

Clinical Genetics DNA and cytogenetics Diagnostics Lab, Erasmus MC, Erasmus Medical Center
Classification: Likely benign. Review status: no assertion criteria provided. Collection method: clinical testing. Allele origin: germline. Affected: yes. Study: VKGL Data-share Consensus. Not counted in ClinVar's aggregate classification.

Clinical Genetics, Academic Medical Center
Classification: Benign. Review status: no assertion criteria provided. Collection method: clinical testing. Allele origin: germline. Affected: yes. Study: VKGL Data-share Consensus. Not counted in ClinVar's aggregate classification.

Joint Genome Diagnostic Labs from Nijmegen and Maastricht, Radboudumc and MUMC+
Classification: Likely benign. Review status: no assertion criteria provided. Collection method: clinical testing. Allele origin: germline. Affected: yes. Study: VKGL Data-share Consensus. Not counted in ClinVar's aggregate classification.

NM_000218.3(KCNQ1):c.1800G>A (p.Thr600=)

Genes: KCNQ1 (potassium voltage-gated channel subfamily Q member 1; plus strand), KCNQ1-AS1 (KCNQ1 antisense RNA 1; minus strand). Cytogenetic location: 11p15.4.
Variant type: single nucleotide variant.
Coding change: c.1800G>A on transcript NM_000218.3 (MANE Select); coding-DNA position 1800, G replaced by A.
Protein change: p.Thr600=; no amino-acid change (threonine 600 retained).
Molecular consequence: synonymous variant.
Genome position (GRCh38, 1-based): chr11:2,847,772, G>A. VCF-style: chr11-2847772-G-A. GRCh37 (hg19) VCF-style: chr11-2869002-G-A.
Other names: c.1704G>A, p.Thr568= (NM_001406836.1); c.1530G>A, p.Thr510= (NM_001406837.1); c.1260G>A, p.Thr420= (NM_001406838.1); c.312G>A, p.Thr104= (NM_001406839.1); c.1419G>A, p.Thr473= (NM_181798.2).
Identifiers: ClinVar variation 163744 (VCV000163744.56), dbSNP rs147091980, ClinGen allele CA006446.